The following is an entry in ClinVar:

ClinVar aggregate classification (germline): Uncertain significance. Review status: criteria provided, multiple submitters, no conflicts (2 of 4 stars). 2 submissions from 2 submitters: Uncertain significance (2). Last evaluated 2025-03-06.

Conditions:
ABCB7-related disorder. Also called: ABCB7-related condition.

gnomAD v4.1: 10 of 1,209,240 alleles (0.00083%); highest among the groups gnomAD compares: South Asian, 0.0018%; no homozygotes.

Submissions (2):

Labcorp Genetics (formerly Invitae), Labcorp
Classification: Uncertain significance. Last evaluated: 2025-03-06. Review status: criteria provided, single submitter. Criteria: Invitae Variant Classification Sherloc (09022015). Collection method: clinical testing. Allele origin: germline.
Comment: This sequence change replaces arginine, which is basic and polar, with histidine, which is basic and polar, at codon 712 of the ABCB7 protein (p.Arg712His). This variant is present in population databases (no rsID available, gnomAD 0.002%), including at least one homozygous and/or hemizygous individual. This variant has not been reported in the literature in individuals affected with ABCB7-related conditions. ClinVar contains an entry for this variant (Variation ID: 2629392). An algorithm developed to predict the effect of missense changes on protein structure and function outputs the following: PolyPhen-2: "Benign". The histidine amino acid residue is found in multiple mammalian species, which suggests that this missense change does not adversely affect protein function. In summary, the available evidence is currently insufficient to determine the role of this variant in disease. Therefore, it has been classified as a Variant of Uncertain Significance.

PreventionGenetics, part of Exact Sciences
Classification: Uncertain significance for ABCB7-related condition. Last evaluated: 2023-06-05. Review status: criteria provided, single submitter. Criteria: ACMG Guidelines, 2015. Collection method: clinical testing. Allele origin: germline.
Comment: The ABCB7 c.2135G>A variant is predicted to result in the amino acid substitution p.Arg712His. To our knowledge, this variant has not been reported in the literature. This variant is reported in 0.0022% of alleles in individuals of European (Non-Finnish) descent in gnomAD. At this time, the clinical significance of this variant is uncertain due to the absence of conclusive functional and genetic evidence.

NM_001271696.3(ABCB7):c.2132G>A (p.Arg711His)

Gene: ABCB7 (ATP binding cassette subfamily B member 7; minus strand). Cytogenetic location: Xq13.3.
Variant type: single nucleotide variant.
Coding change: c.2132G>A on transcript NM_001271696.3 (MANE Select); coding-DNA position 2132, G replaced by A.
Protein change: p.Arg711His; replaces arginine 711 with histidine.
Molecular consequence: missense variant.
Genome position (GRCh38, 1-based): chrX:75,053,497, C>T on the plus strand (G>A on the coding strand, the complement: ABCB7 is on the minus strand). VCF-style: chrX-75053497-C-T. GRCh37 (hg19) VCF-style: chrX-74273332-C-T.
Other names: c.2012G>A, p.Arg671His (NM_001271697.3); c.2054G>A, p.Arg685His (NM_001271698.3); c.2015G>A, p.Arg672His (NM_001271699.3); c.2135G>A, p.Arg712His (NM_004299.6); short protein forms R671H, R672H, R685H, R711H, R712H.
Identifiers: ClinVar variation 2629392 (VCV002629392.2), dbSNP rs949445106, ClinGen allele CA413671759.
Genomic context (GRCh38, chrX:75,053,497, plus strand): 5'-TCCTCTTTGGATATATTTTCTTTCTTTGCTTCCCATTTGGGGTTATCATGGTTCTGCACA[C>T]GGCTGCTCTGTGTATGCCACATTTCTGAATAGATACTATGAGGGTTAGCAAGCAAACCAT-3'
Protein context (NP_001258625.1, residues 701-721): YSEMWHTQSS[Arg711His]VQNHDNPKWE